The following is an entry in ClinVar:

ClinVar aggregate classification (germline): Uncertain significance. Review status: criteria provided, multiple submitters, no conflicts (2 of 4 stars). 3 submissions from 3 submitters: Uncertain significance (3). Last evaluated 2024-09-16.

Conditions:
Familial hyperaldosteronism type III. Also called: FH III; Familial hyperaldosteronism type 3. Identifiers: Orphanet 251274, MedGen C3838758, MONDO:0013359, OMIM 613677.
Long QT syndrome 13 (LQT13). Identifiers: Orphanet 101016, Orphanet 768, MedGen C3150733, MONDO:0013279, OMIM 613485.
Long QT syndrome (LQTS). Identifiers: MedGen C0023976, MeSH D008133, MONDO:0002442. Disease mechanism: loss of function. Inheritance: Various modes of inheritance.

Allele frequency attached by ClinVar (database versions not stated): gnomAD exomes below 0.00001; TOPMed below 0.00001; gnomAD 0.00001.
gnomAD v4.1: 4 of 1,607,096 alleles (0.00025%); highest among the groups gnomAD compares: Non-Finnish European, 0.00026%; no homozygotes.

Submissions (3):

Women's Health and Genetics/Laboratory Corporation of America, LabCorp
Classification: Uncertain significance. Last evaluated: 2024-09-16. Review status: criteria provided, single submitter. Criteria: LabCorp Variant Classification Summary - May 2015. Collection method: clinical testing. Allele origin: germline.
Comment: Variant summary: KCNJ5 c.628A>T (p.Met210Leu) results in a conservative amino acid change located in the Inward rectifier potassium channel, C-terminal domain (IPR041647) of the encoded protein sequence. Five of five in-silico tools predict a benign effect of the variant on protein function. The variant allele was found at a frequency of 4e-06 in 249766 control chromosomes. The available data on variant occurrences in the general population are insufficient to allow any conclusion about variant significance. To our knowledge, no occurrence of c.628A>T in individuals affected with Hyperaldosteronism, Familial, Type III and no experimental evidence demonstrating its impact on protein function have been reported. ClinVar contains an entry for this variant (Variation ID: 2047120). Based on the evidence outlined above, the variant was classified as uncertain significance.

Fulgent Genetics
Classification: Uncertain significance for Long QT syndrome 13; Familial hyperaldosteronism type III. Last evaluated: 2024-02-15. Review status: criteria provided, single submitter. Criteria: ACMG Guidelines, 2015. Collection method: clinical testing. Allele origin: germline.

Labcorp Genetics (formerly Invitae), Labcorp
Classification: Uncertain significance for Long QT syndrome. Last evaluated: 2022-03-05. Review status: criteria provided, single submitter. Criteria: Invitae Variant Classification Sherloc (09022015). Collection method: clinical testing. Allele origin: germline.
Comment: This variant is present in population databases (no rsID available, gnomAD 0.0009%). This sequence change replaces methionine, which is neutral and non-polar, with leucine, which is neutral and non-polar, at codon 210 of the KCNJ5 protein (p.Met210Leu). This variant has not been reported in the literature in individuals affected with KCNJ5-related conditions. Advanced modeling of protein sequence and biophysical properties (such as structural, functional, and spatial information, amino acid conservation, physicochemical variation, residue mobility, and thermodynamic stability) performed at Invitae indicates that this missense variant is not expected to disrupt KCNJ5 protein function. In summary, the available evidence is currently insufficient to determine the role of this variant in disease. Therefore, it has been classified as a Variant of Uncertain Significance.

NM_000890.5(KCNJ5):c.628A>T (p.Met210Leu)

Gene: KCNJ5 (potassium inwardly rectifying channel subfamily J member 5; plus strand). Cytogenetic location: 11q24.3.
Variant type: single nucleotide variant.
Coding change: c.628A>T on transcript NM_000890.5 (MANE Select); coding-DNA position 628, A replaced by T.
Protein change: p.Met210Leu; replaces methionine 210 with leucine.
Molecular consequence: missense variant.
Genome position (GRCh38, 1-based): chr11:128,911,901, A>T. VCF-style: chr11-128911901-A-T. GRCh37 (hg19) VCF-style: chr11-128781796-A-T.
Other names: c.628A>T, p.Met210Leu (NM_001354169.2); short protein forms M210L.
Identifiers: ClinVar variation 2047120 (VCV002047120.6), dbSNP rs1191823762, ClinGen allele CA383249399.